The following is an entry in ClinVar:

NM_001278512.2(AP3B2):c.2959G>A (p.Val987Ile)

Genes: AP3B2 (adaptor related protein complex 3 subunit beta 2; minus strand), CPEB1-AS1 (CPEB1 antisense RNA 1; plus strand). Cytogenetic location: 15q25.2.
Variant type: single nucleotide variant.
Coding change: c.2959G>A on transcript NM_001278512.2 (MANE Select); coding-DNA position 2959, G replaced by A.
Protein change: p.Val987Ile; replaces valine 987 with isoleucine.
Molecular consequence: missense variant.
Genome position (GRCh38, 1-based): chr15:82,661,882, C>T on the plus strand (G>A on the coding strand, the complement: AP3B2 is on the minus strand). VCF-style: chr15-82661882-C-T. GRCh37 (hg19) VCF-style: chr15-83330634-C-T.
Other names: c.2806G>A, p.Val936Ile (NM_001278511.2); c.91G>A, p.Val31Ile (NM_001348441.2); c.2902G>A, p.Val968Ile (NM_004644.5); short protein forms V31I, V936I, V968I, V987I.
Identifiers: ClinVar variation 1480588 (VCV001480588.6), dbSNP rs746346093, ClinGen allele CA393306763.
Genomic context (GRCh38, chr15:82,661,882, plus strand): 5'-CACCCTGTTCCTTCTTAAACTCATTTTCACTCATGAACACAGGGGCCATCAGCTCCCCAA[C>T]AGGTGGCTGAATGGAGACGTAGAACTGTCGGGTCTGGGTGCTGGGAGGGGTGGGAGGAAA-3'
Protein context (NP_001265441.1, residues 977-997): RQFYVSIQPP[Val987Ile]GELMAPVFMS

ClinVar aggregate classification (germline): Uncertain significance (1 of 4 stars; one submission).

gnomAD v4.1: 2 of 1,613,924 alleles (0.00012%); highest among the groups gnomAD compares: Middle Eastern, 0.016%; no homozygotes.

Submission:

Labcorp Genetics (formerly Invitae), Labcorp
Classification: Uncertain significance. Last evaluated: 2025-09-09. Review status: criteria provided, single submitter. Criteria: Invitae Variant Classification Sherloc (09022015). Collection method: clinical testing. Allele origin: germline.
Comment: This sequence change replaces valine, which is neutral and non-polar, with isoleucine, which is neutral and non-polar, at codon 968 of the AP3B2 protein (p.Val968Ile). This variant is not present in population databases (gnomAD no frequency). This variant has not been reported in the literature in individuals affected with AP3B2-related conditions. ClinVar contains an entry for this variant (Variation ID: 1480588). An algorithm developed to predict the effect of missense changes on protein structure and function (PolyPhen-2) suggests that this variant is likely to be tolerated. In summary, the available evidence is currently insufficient to determine the role of this variant in disease. Therefore, it has been classified as a Variant of Uncertain Significance.